The following is an entry in ClinVar:

NM_001103.4(ACTN2):c.*3C>T

Gene: ACTN2 (actinin alpha 2; plus strand). Cytogenetic location: 1q43.
Variant type: single nucleotide variant.
Coding change: c.*3C>T on transcript NM_001103.4 (MANE Select); 3 bases downstream of the stop codon, C replaced by T.
Molecular consequence: 3 prime UTR variant.
Genome position (GRCh38, 1-based): chr1:236,762,622, C>T. VCF-style: chr1-236762622-C-T. GRCh37 (hg19) VCF-style: chr1-236925922-C-T.
Other names: c.*3C>T (NM_001278343.2, NM_001278344.2).
Identifiers: ClinVar variation 430146 (VCV000430146.1), dbSNP rs1131691800, ClinGen allele CA645369172.

ClinVar aggregate classification (germline): Uncertain significance (1 of 4 stars; one submission).

Submission:

GeneDx
Classification: Uncertain significance. Last evaluated: 2017-05-08. Review status: criteria provided, single submitter. Criteria: GeneDx Variant Classification (06012015). Collection method: clinical testing. Allele origin: germline. Affected: yes.
Comment: A variant of uncertain significance has been identified in the ACTN2 gene. The c.*3 C>T variant has not been published as a pathogenic variant or been reported as benign to our knowledge. This single nucleotide substitution is located at a position that is conserved through mammals. This variant is not observed in large population cohorts (Lek et al., 2016; 1000 Genomes Consortium et al., 2015; Exome Variant Server). Finally, no variants in the regulatory region of the ACTN2 gene have been reported in association with cardiomyopathy in HGMD (Stenson et al., 2014).